The following is an entry in ClinVar:

ClinVar aggregate classification (germline): Uncertain significance (1 of 4 stars; one submission).

Conditions:
Short-rib thoracic dysplasia 13 with or without polydactyly (SRTD13). Identifiers: Orphanet 474, MedGen C4225378, MONDO:0014577, OMIM 616300.

Allele frequency attached by ClinVar (database versions not stated): gnomAD exomes below 0.00001.
gnomAD v4.1: 1 of 1,612,014 alleles (0.000062%); highest among the groups gnomAD compares: Admixed American, 0.0017%; no homozygotes.

Submission:

HudsonAlpha Institute for Biotechnology
Classification: Uncertain significance for Short-rib thoracic dysplasia 13 with or without polydactyly. Last evaluated: 2018-10-05. Review status: criteria provided, single submitter. Criteria: ACMG Guidelines, 2015. Collection method: research. Allele origin: unknown. Affected: yes. Observed: 1 variant allele. Study: CSER-SouthSeq.
Comment: ACMG codes: PM2, PP3

NM_001375405.1(CEP120):c.226A>G (p.Lys76Glu)

Gene: CEP120 (centrosomal protein 120; minus strand). Cytogenetic location: 5q23.2.
Variant type: single nucleotide variant.
Coding change: c.226A>G on transcript NM_001375405.1 (MANE Select); coding-DNA position 226, A replaced by G.
Protein change: p.Lys76Glu; replaces lysine 76 with glutamic acid.
Molecular consequence: missense variant. On other transcripts: 5 prime UTR variant (2), non-coding transcript variant (1).
Genome position (GRCh38, 1-based): chr5:123,416,105, T>C on the plus strand (A>G on the coding strand, the complement: CEP120 is on the minus strand). VCF-style: chr5-123416105-T-C. GRCh37 (hg19) VCF-style: chr5-122751799-T-C.
Other names: c.148A>G, p.Lys50Glu (NM_001166226.2); c.226A>G, p.Lys76Glu (NM_001375406.1, NM_001375407.1, NM_153223.4); c.-523A>G (NM_001375408.1); c.-465A>G (NM_001375409.1); short protein forms K76E, K50E.
Identifiers: ClinVar variation 623652 (VCV000623652.2), dbSNP rs1311902826, ClinGen allele CA360896423.